The following is an entry in ClinVar:

ClinVar aggregate classification (germline): Benign/Likely benign. Review status: criteria provided, multiple submitters, no conflicts (2 of 4 stars). 3 submissions from 3 submitters: Benign (1); Likely benign (2). Last evaluated 2026-09-01.

Conditions:
Mitochondrial trifunctional protein deficiency. Identifiers: Orphanet 746, MedGen C1969443, MONDO:0012172.

Allele frequency attached by ClinVar (database versions not stated): gnomAD 0.00003 and 0.00021; 1000 Genomes Project 0.00180; 1000 Genomes Project 30x 0.00203.
gnomAD v4.1: 672 of 1,612,470 alleles (0.042%); highest among the groups gnomAD compares: South Asian, 0.67%; 5 homozygotes.

Submissions (3):

CeGaT Center for Human Genetics Tuebingen
Classification: Likely benign. Last evaluated: 2026-09-01. Review status: criteria provided, single submitter. Criteria: CeGaT Center For Human Genetics Tuebingen Variant Classification Criteria Version 2. Collection method: clinical testing. Allele origin: germline. Affected: yes. Observed: 1 variant allele.
Comment: HADHB: BP4, BP7

Labcorp Genetics (formerly Invitae), Labcorp
Classification: Benign for Mitochondrial trifunctional protein deficiency. Last evaluated: 2026-01-31. Review status: criteria provided, single submitter. Criteria: Invitae Variant Classification Sherloc (09022015). Collection method: clinical testing. Allele origin: germline.

Illumina Laboratory Services, Illumina
Classification: Likely benign for Mitochondrial trifunctional protein deficiency 1. Last evaluated: 2018-01-13. Review status: criteria provided, single submitter. Criteria: ICSL Variant Classification Criteria 13 December 2019. Collection method: clinical testing. Allele origin: germline.
Comment: This variant was observed in the ICSL laboratory as part of a predisposition screen in an ostensibly healthy population. It had not been previously curated by ICSL or reported in the Human Gene Mutation Database (HGMD: prior to June 1st, 2018), and was therefore a candidate for classification through an automated scoring system. Utilizing variant allele frequency, disease prevalence and penetrance estimates, and inheritance mode, an automated score was calculated to assess if this variant is too frequent to cause the disease. Based on the score and internal cut-off values, a variant classified as likely benign is not then subjected to further curation. The score for this variant resulted in a classification of likely benign for this disease.

NM_000183.3(HADHB):c.135G>A (p.Thr45=)

Gene: HADHB (hydroxyacyl-CoA dehydrogenase trifunctional multienzyme complex subunit beta; plus strand). Cytogenetic location: 2p23.3.
Variant type: single nucleotide variant.
Coding change: c.135G>A on transcript NM_000183.3 (MANE Select); coding-DNA position 135, G replaced by A.
Protein change: p.Thr45=; no amino-acid change (threonine 45 retained).
Molecular consequence: synonymous variant.
Genome position (GRCh38, 1-based): chr2:26,263,405, G>A. VCF-style: chr2-26263405-G-A. GRCh37 (hg19) VCF-style: chr2-26486273-G-A.
Other names: c.135G>A, p.Thr45= (NM_001281512.2); c.69G>A, p.Thr23= (NM_001281513.2).
Identifiers: ClinVar variation 335402 (VCV000335402.16), dbSNP rs574464531, ClinGen allele CA1560103.